The following is an entry in ClinVar:

ClinVar aggregate classification (germline): Conflicting classifications of pathogenicity. Review status: criteria provided, conflicting classifications (1 of 4 stars). 3 submissions from 3 submitters: Pathogenic (1); Likely pathogenic (1); Uncertain significance (1). Last evaluated 2024-10-17.

Conditions:
Jeune thoracic dystrophy. Also called: Jeune syndrome; Infantile thoracic dystrophy; Thoracic pelvic phalangeal dystrophy; Jeune's syndrome; Chondroectodermal dysplasia-like syndrome; Short-rib thoracic dysplasia. Identifiers: Orphanet 474, MedGen C0265275, MONDO:0018770.
Short-rib thoracic dysplasia 18 with polydactyly. Identifiers: MedGen C4693420, MONDO:0036483, OMIM 617866.

Allele frequency attached by ClinVar (database versions not stated): TOPMed 0.00001; ExAC 0.00002; gnomAD exomes 0.00002 and 0.00001; gnomAD 0.00001.
gnomAD v4.1: 22 of 1,613,758 alleles (0.0014%); highest among the groups gnomAD compares: East Asian, 0.0089%; no homozygotes.

Submissions (3):

Labcorp Genetics (formerly Invitae), Labcorp
Classification: Pathogenic. Last evaluated: 2024-10-17. Review status: criteria provided, single submitter. Criteria: Invitae Variant Classification Sherloc (09022015). Collection method: clinical testing. Allele origin: germline.
Comment: This sequence change creates a premature translational stop signal (p.Arg25*) in the IFT43 gene. It is expected to result in an absent or disrupted protein product. Loss-of-function variants in IFT43 are known to be pathogenic (PMID: 21378380, 28400947). This variant is present in population databases (rs780404339, gnomAD 0.03%). This variant has not been reported in the literature in individuals affected with IFT43-related conditions. ClinVar contains an entry for this variant (Variation ID: 558754). For these reasons, this variant has been classified as Pathogenic.

Dasa
Classification: Likely pathogenic for Short-rib thoracic dysplasia 18 with polydactyly. Last evaluated: 2022-11-03. Review status: criteria provided, single submitter. Criteria: ACMG Guidelines, 2015. Collection method: clinical testing. Allele origin: germline. Affected: no. Observed: 1 variant allele.
Comment: The c.73C>T;p.(Arg25*) variant creates a premature translational stop signal in the IFT43 gene. It is expected to result in an absent or disrupted protein product - PVS1. The variant is present at low allele frequencies population databases (rs780404339 – gnomAD 0.00006577%; ABraOM no frequency) - PM2_supporting. In summary, the currently available evidence indicates that the variant is likely pathogenic.

Rare Disease Group, Clinical Genetics, Karolinska Institutet
Classification: Uncertain significance for Jeune thoracic dystrophy. Last evaluated: 2018-05-01. Review status: criteria provided, single submitter. Criteria: ACMG Guidelines, 2015. Collection method: research. Allele origin: maternal. Inheritance: Autosomal recessive inheritance. Affected: yes.

Literature cited by the submitters: PubMed 21378380 (cited by Labcorp Genetics (formerly Invitae), Labcorp); PubMed 28400947 (cited by Labcorp Genetics (formerly Invitae), Labcorp).

NM_001102564.3(IFT43):c.73C>T (p.Arg25Ter)

Gene: IFT43 (intraflagellar transport 43; plus strand). Cytogenetic location: 14q24.3.
Variant type: single nucleotide variant.
Coding change: c.73C>T on transcript NM_001102564.3 (MANE Select); coding-DNA position 73, C replaced by T.
Protein change: p.Arg25Ter; replaces arginine 25 with a stop codon.
Molecular consequence: nonsense. On other transcripts: non-coding transcript variant (2).
Genome position (GRCh38, 1-based): chr14:75,988,903, C>T. VCF-style: chr14-75988903-C-T. GRCh37 (hg19) VCF-style: chr14-76455246-C-T.
Other names: c.73C>T, p.Arg25Ter (NM_001255995.3, NM_052873.3); short protein forms R25*.
Identifiers: ClinVar variation 558754 (VCV000558754.8), dbSNP rs780404339, ClinGen allele CA7280633.